The following is an entry in ClinVar:

ClinVar aggregate classification (germline): Uncertain significance (1 of 4 stars; one submission).

Submission:

Labcorp Genetics (formerly Invitae), Labcorp
Classification: Uncertain significance. Last evaluated: 2022-04-08. Review status: criteria provided, single submitter. Criteria: Invitae Variant Classification Sherloc (09022015). Collection method: clinical testing. Allele origin: germline.
Comment: In summary, the available evidence is currently insufficient to determine the role of this variant in disease. Therefore, it has been classified as a Variant of Uncertain Significance. This variant has not been reported in the literature in individuals affected with YME1L1-related conditions. A copy number gain of the genomic region encompassing the full coding sequence of the YME1L1 gene has been identified. The boundaries of this event are unknown as they extend beyond the assayed region for this gene and therefore may encompass additional genes. As the precise location of this event is unknown, it may be in tandem or it may be located elsewhere in the genome.

NC_000010.10:g.(?_26993586)_(28391597_?)dup

Genes: ABI1 (abl interactor 1; minus strand), ACBD5 (acyl-CoA binding domain containing 5; minus strand), ANKRD26 (ankyrin repeat domain containing 26; minus strand), MASTL (microtubule associated serine/threonine kinase like; plus strand), MKX (mohawk homeobox; minus strand) and 6 more. Cytogenetic location: 10p12.1.
Variant type: Duplication.
Identifiers: ClinVar variation 2427285 (VCV002427285.4).